The following is an entry in ClinVar:

ClinVar aggregate classification (germline): Uncertain significance (1 of 4 stars; one submission).

Submission:

Labcorp Genetics (formerly Invitae), Labcorp
Classification: Uncertain significance. Last evaluated: 2021-01-25. Review status: criteria provided, single submitter. Criteria: Invitae Variant Classification Sherloc (09022015). Collection method: clinical testing. Allele origin: germline.
Comment: This sequence change replaces methionine with isoleucine at codon 924 of the DHX38 protein (p.Met924Ile). The methionine residue is highly conserved and there is a small physicochemical difference between methionine and isoleucine. This variant is not present in population databases (ExAC no frequency). This variant has not been reported in the literature in individuals with DHX38-related conditions. Algorithms developed to predict the effect of missense changes on protein structure and function are either unavailable or do not agree on the potential impact of this missense change (SIFT: "Tolerated"; PolyPhen-2: "Possibly Damaging"; Align-GVGD: "Class C0"). In summary, the available evidence is currently insufficient to determine the role of this variant in disease. Therefore, it has been classified as a Variant of Uncertain Significance.

NM_014003.4(DHX38):c.2772G>A (p.Met924Ile)

Gene: DHX38 (DEAH-box helicase 38; plus strand). Cytogenetic location: 16q22.2.
Variant type: single nucleotide variant.
Coding change: c.2772G>A on transcript NM_014003.4 (MANE Select); coding-DNA position 2772, G replaced by A.
Protein change: p.Met924Ile; replaces methionine 924 with isoleucine.
Molecular consequence: missense variant.
Genome position (GRCh38, 1-based): chr16:72,107,511, G>A. VCF-style: chr16-72107511-G-A. GRCh37 (hg19) VCF-style: chr16-72141410-G-A.
Other names: short protein forms M924I.
Identifiers: ClinVar variation 1376838 (VCV001376838.8), dbSNP rs2144169667, ClinGen allele CA396714297.